The following is an entry in ClinVar:

NM_001378454.1(ALMS1):c.12109C>G (p.Leu4037Val)

Genes: ALMS1 (ALMS1 centrosome and basal body associated protein; plus strand), LOC126806252 (BRD4-independent group 4 enhancer GRCh37_chr2:73828496-73829695; plus strand). Cytogenetic location: 2p13.1.
Variant type: single nucleotide variant.
Coding change: c.12109C>G on transcript NM_001378454.1 (MANE Select); coding-DNA position 12109, C replaced by G.
Protein change: p.Leu4037Val; replaces leucine 4037 with valine.
Molecular consequence: missense variant.
Genome position (GRCh38, 1-based): chr2:73,601,431, C>G. VCF-style: chr2-73601431-C-G. GRCh37 (hg19) VCF-style: chr2-73828558-C-G.
Other names: c.12112C>G, p.Leu4038Val (NM_015120.4); short protein forms L4037V, L4038V.
Identifiers: ClinVar variation 917690 (VCV000917690.1), dbSNP rs1675685897, ClinGen allele CA347267275.

ClinVar aggregate classification (germline): Uncertain significance (1 of 4 stars; one submission).

Allele frequency attached by ClinVar (database versions not stated): TOPMed below 0.00001.

Submission:

Women's Health and Genetics/Laboratory Corporation of America, LabCorp
Classification: Uncertain significance. Last evaluated: 2020-02-24. Review status: criteria provided, single submitter. Criteria: LabCorp Variant Classification Summary - May 2015. Collection method: clinical testing. Allele origin: germline.
Comment: Variant summary: ALMS1 c.12106C>G (p.Leu4036Val) results in a conservative amino acid change located in the ALMS motif (IPR029299) of the encoded protein sequence. Three of five in-silico tools predict a damaging effect of the variant on protein function. The variant was absent in 249190 control chromosomes (gnomAD). The available data on variant occurrences in the general population are insufficient to allow any conclusion about variant significance. To our knowledge, no occurrence of c.12106C>G in individuals affected with Cardiomyopathy and no experimental evidence demonstrating its impact on protein function have been reported. No clinical diagnostic laboratories have submitted clinical-significance assessments for this variant to ClinVar after 2014. Based on the evidence outlined above, the variant was classified as uncertain significance.